The following is an entry in ClinVar:

ClinVar aggregate classification (germline): Uncertain significance. Review status: criteria provided, multiple submitters, no conflicts (2 of 4 stars). 2 submissions from 2 submitters: Uncertain significance (2). Last evaluated 2025-05-05.

Conditions:
POLD1-related polyposis and colorectal cancer syndrome (CRCS10). Also called: Colorectal cancer 10; COLORECTAL CANCER, SUSCEPTIBILITY TO, ON CHROMOSOME 19q; Colorectal cancer, susceptibility to, 10. Identifiers: Orphanet 220460, MedGen C2675481, MONDO:0012953, OMIM 612591.
Hereditary cancer-predisposing syndrome. Also called: Tumor predisposition; Hereditary Cancer Syndrome; Hereditary neoplastic syndrome; Neoplastic Syndromes, Hereditary. Identifiers: Orphanet 140162, MedGen C0027672, MeSH D009386, MONDO:0015356.

Allele frequency attached by ClinVar (database versions not stated): ExAC 0.00001.

Submissions (2):

Labcorp Genetics (formerly Invitae), Labcorp
Classification: Uncertain significance for POLD1-related polyposis and colorectal cancer syndrome. Last evaluated: 2025-05-05. Review status: criteria provided, single submitter. Criteria: Invitae Variant Classification Sherloc (09022015). Collection method: clinical testing. Allele origin: germline.
Comment: This sequence change replaces proline, which is neutral and non-polar, with serine, which is neutral and polar, at codon 93 of the POLD1 protein (p.Pro93Ser). This variant is not present in population databases (gnomAD no frequency). This variant has not been reported in the literature in individuals affected with POLD1-related conditions. ClinVar contains an entry for this variant (Variation ID: 956688). Invitae Evidence Modeling of protein sequence and biophysical properties (such as structural, functional, and spatial information, amino acid conservation, physicochemical variation, residue mobility, and thermodynamic stability) indicates that this missense variant is not expected to disrupt POLD1 protein function with a negative predictive value of 80%. In summary, the available evidence is currently insufficient to determine the role of this variant in disease. Therefore, it has been classified as a Variant of Uncertain Significance.

Ambry Genetics
Classification: Uncertain significance for Hereditary cancer-predisposing syndrome. Last evaluated: 2021-06-23. Review status: criteria provided, single submitter. Criteria: Ambry Variant Classification Scheme 2023. Collection method: clinical testing. Allele origin: germline.
Comment: The p.P93S variant (also known as c.277C>T), located in coding exon 2 of the POLD1 gene, results from a C to T substitution at nucleotide position 277. The proline at codon 93 is replaced by serine, an amino acid with similar properties. This amino acid position is conserved. In addition, this alteration is predicted to be tolerated by in silico analysis. Since supporting evidence is limited at this time, the clinical significance of this alteration remains unclear.

NM_002691.4(POLD1):c.277C>T (p.Pro93Ser)

Gene: POLD1 (DNA polymerase delta 1, catalytic subunit; plus strand). Cytogenetic location: 19q13.33.
Variant type: single nucleotide variant.
Coding change: c.277C>T on transcript NM_002691.4 (MANE Select); coding-DNA position 277, C replaced by T.
Protein change: p.Pro93Ser; replaces proline 93 with serine.
Molecular consequence: missense variant. On other transcripts: non-coding transcript variant (1).
Genome position (GRCh38, 1-based): chr19:50,399,445, C>T. VCF-style: chr19-50399445-C-T. GRCh37 (hg19) VCF-style: chr19-50902702-C-T.
Other names: c.277C>T, p.Pro93Ser (NM_001256849.1, NM_001308632.1); short protein forms P93S.
Identifiers: ClinVar variation 956688 (VCV000956688.12), dbSNP rs772106549, ClinGen allele CA9595670.
Genomic context (GRCh38, chr19:50,399,445, plus strand): 5'-TCAGCCATAGATCCTCGCTGGCTTCGGCCCACACCACCAGCGCTGGACCCCCAGACAGAG[C>T]CCCTCATCTTCCAACAGTTGGAGATTGACCATTATGTGGGTGAGTTTAGGGGTTATGGGT-3'
Protein context (NP_002682.2, residues 83-103): TPPALDPQTE[Pro93Ser]LIFQQLEIDH